The following is an entry in ClinVar:

NM_144997.7(FLCN):c.1730C>G (p.Ser577Cys)

Gene: FLCN (folliculin; minus strand). Cytogenetic location: 17p11.2.
Variant type: single nucleotide variant.
Coding change: c.1730C>G on transcript NM_144997.7 (MANE Select); coding-DNA position 1730, C replaced by G.
Protein change: p.Ser577Cys; replaces serine 577 with cysteine.
Molecular consequence: missense variant.
Genome position (GRCh38, 1-based): chr17:17,213,665, G>C on the plus strand (C>G on the coding strand, the complement: FLCN is on the minus strand). VCF-style: chr17-17213665-G-C. GRCh37 (hg19) VCF-style: chr17-17116979-G-C.
Other names: c.1784C>G, p.Ser595Cys (NM_001353229.2); c.1730C>G, p.Ser577Cys (NM_001353230.2, NM_001353231.2); short protein forms S577C, S595C.
Identifiers: ClinVar variation 3726375 (VCV003726375.2).

ClinVar aggregate classification (germline): Uncertain significance (1 of 4 stars; one submission).

Conditions:
Birt-Hogg-Dube syndrome. Also called: Birt Hogg Dubé syndrome. Identifiers: Orphanet 122, MedGen C0346010, MONDO:0800444.

Submission:

Labcorp Genetics (formerly Invitae), Labcorp
Classification: Uncertain significance for Birt-Hogg-Dube syndrome. Last evaluated: 2024-09-10. Review status: criteria provided, single submitter. Criteria: Invitae Variant Classification Sherloc (09022015). Collection method: clinical testing. Allele origin: germline.
Comment: This sequence change replaces serine, which is neutral and polar, with cysteine, which is neutral and slightly polar, at codon 577 of the FLCN protein (p.Ser577Cys). This variant is not present in population databases (gnomAD no frequency). This variant has not been reported in the literature in individuals affected with FLCN-related conditions. An algorithm developed to predict the effect of missense changes on protein structure and function outputs the following: PolyPhen-2: "Benign". The cysteine amino acid residue is found in multiple mammalian species, which suggests that this missense change does not adversely affect protein function. In summary, the available evidence is currently insufficient to determine the role of this variant in disease. Therefore, it has been classified as a Variant of Uncertain Significance.